The following is an entry in ClinVar:

NM_000053.4(ATP7B):c.3728T>C (p.Val1243Ala)

Gene: ATP7B (ATPase copper transporting beta; minus strand). Cytogenetic location: 13q14.3.
Variant type: single nucleotide variant.
Coding change: c.3728T>C on transcript NM_000053.4 (MANE Select); coding-DNA position 3728, T replaced by C.
Protein change: p.Val1243Ala; replaces valine 1243 with alanine.
Molecular consequence: missense variant. On other transcripts: intron variant (1).
Genome position (GRCh38, 1-based): chr13:51,937,651, A>G on the plus strand (T>C on the coding strand, the complement: ATP7B is on the minus strand). VCF-style: chr13-51937651-A-G. GRCh37 (hg19) VCF-style: chr13-52511787-A-G.
Other names: c.3080T>C, p.Val1027Ala (NM_001406545.1); c.3047T>C, p.Val1016Ala (NM_001406546.1); c.2885T>C, p.Val962Ala (NM_001406547.1); c.2438T>C, p.Val813Ala (NM_001406548.1); c.3700-258T>C (NM_001406526.1); c.3107T>C, p.Val1036Ala (NM_001005918.3); c.3395T>C, p.Val1132Ala (NM_001243182.2); c.3494T>C, p.Val1165Ala (NM_001330578.2, NM_001406527.1, NM_001406528.1); and 21 more; short protein forms V1016A, V1027A, V1036A, V1049A, V1079A, V1081A, V1094A, V1100A.
Identifiers: ClinVar variation 3072241 (VCV003072241.1), dbSNP rs752816347, ClinGen allele CA6988579.

ClinVar aggregate classification (germline): Uncertain significance (1 of 4 stars; one submission).

Conditions:
Wilson disease (WND). Also called: Wilson's disease. Identifiers: Orphanet 905, MedGen C0019202, MONDO:0010200, OMIM 277900. Disease mechanism: loss of function.

Allele frequency attached by ClinVar (database versions not stated): gnomAD exomes below 0.00001; ExAC 0.00001.
gnomAD v4.1: 2 of 1,614,242 alleles (0.00012%); highest among the groups gnomAD compares: South Asian, 0.0022%; no homozygotes.

Submission:

All of Us Research Program, National Institutes of Health
Classification: Uncertain significance for Wilson disease. Last evaluated: 2023-06-26. Review status: criteria provided, single submitter. Criteria: ACMG Guidelines, 2015. Collection method: clinical testing. Allele origin: germline. Inheritance: Autosomal recessive inheritance. Observed: 1 variant allele, 1 heterozygote.
Comment: This missense variant replaces valine with alanine at codon 1243 of the ATP7B protein. Computational prediction suggests that this variant may have deleterious impact on protein structure and function (internally defined REVEL score threshold >= 0.7, PMID: 27666373). To our knowledge, functional studies have not been reported for this variant. This variant has not been reported in individuals affected with ATP7B-related disorders in the literature. This variant has been identified in 2/249564 chromosomes in the general population by the Genome Aggregation Database (gnomAD). The available evidence is insufficient to determine the role of this variant in disease conclusively. Therefore, this variant is classified as a Variant of Uncertain Significance.

This study involves interpretation of variants in research participants for the purpose of population health screening. Participant phenotype was not available at the time of variant classification. Additional details can be found in publication PMID: 35346344, PMCID: PMC8962531